The following is an entry in ClinVar:

ClinVar aggregate classification (germline): Uncertain significance. Review status: criteria provided, multiple submitters, no conflicts (2 of 4 stars). 3 submissions from 2 submitters: Uncertain significance (3). Last evaluated 2026-02-18.

Conditions:
Hereditary nonpolyposis colorectal neoplasms. Identifiers: MedGen C0009405, MeSH D003123.
Hereditary cancer-predisposing syndrome. Also called: Tumor predisposition; Hereditary neoplastic syndrome; Hereditary Cancer Syndrome; Neoplastic Syndromes, Hereditary. Identifiers: Orphanet 140162, MedGen C0027672, MeSH D009386, MONDO:0015356.
Lynch syndrome. Identifiers: Orphanet 144, MedGen C4552100, MONDO:0005835. Disease mechanism: loss of function.

Submissions (3):

Ambry Genetics
Classification: Uncertain significance for Hereditary cancer-predisposing syndrome. Last evaluated: 2026-02-18. Review status: criteria provided, single submitter. Criteria: Ambry Variant Classification Scheme 2023. Collection method: clinical testing. Allele origin: germline.
Comment: The c.537G>A variant (also known as p.K179K), located in coding exon 5 of the PMS2 gene, results from a G to A substitution at nucleotide position 537. This nucleotide substitution does not change the lysine at codon 179. However, this change occurs in the last base pair of coding exon 5, which makes it likely to have some effect on normal mRNA splicing. This nucleotide position is highly conserved in available vertebrate species. In silico splice site analysis predicts that this alteration will weaken the native splice donor site. Since supporting evidence is limited at this time, the clinical significance of this alteration remains unclear.

Labcorp Genetics (formerly Invitae), Labcorp
Classification: Uncertain significance for Hereditary nonpolyposis colorectal neoplasms. Last evaluated: 2024-11-03. Review status: criteria provided, single submitter. Criteria: Invitae Variant Classification Sherloc (09022015). Collection method: clinical testing. Allele origin: germline.
Comment: This sequence change affects codon 179 of the PMS2 mRNA. It is a 'silent' change, meaning that it does not change the encoded amino acid sequence of the PMS2 protein. This variant also falls at the last nucleotide of exon 5, which is part of the consensus splice site for this exon. This variant is not present in population databases (gnomAD no frequency). This variant has not been reported in the literature in individuals affected with PMS2-related conditions. ClinVar contains an entry for this variant (Variation ID: 219408). Variants that disrupt the consensus splice site are a relatively common cause of aberrant splicing (PMID: 17576681, 9536098). Algorithms developed to predict the effect of sequence changes on RNA splicing suggest that this variant may disrupt the consensus splice site. In summary, the available evidence is currently insufficient to determine the role of this variant in disease. Therefore, it has been classified as a Variant of Uncertain Significance.

Labcorp Genetics (formerly Invitae), Labcorp
Classification: Uncertain significance for Hereditary nonpolyposis colorectal neoplasms. Last evaluated: 2015-07-02. Review status: criteria provided, single submitter. Criteria: Invitae Variant Classification Sherloc (09022015). Collection method: clinical testing. Allele origin: germline.
Comment: This sequence change affects codon 179 of the PMS2 mRNA. It is a 'silent' change, meaning that it does not change the encoded amino acid sequence of the PMS2 protein. It also falls at the last nucleotide of exon 5 of the PMS2 mRNA. This variant has not been published in the literature and is not present in population databases. Algorithms developed to predict the effect of silent changes on mRNA splicing suggest that this variant may alter mRNA splicing, but this prediction has not been confirmed by published transcriptional studies. In summary, this is a novel silent change with uncertain impact on splicing. It has been classified as a Variant of Uncertain Significance.

Literature cited by the submitters: PubMed 17576681 (cited by Labcorp Genetics (formerly Invitae), Labcorp); PubMed 9536098 (cited by Labcorp Genetics (formerly Invitae), Labcorp).

NM_000535.7(PMS2):c.537G>A (p.Lys179=)

Gene: PMS2 (PMS1 homolog 2, mismatch repair system component; minus strand). Cytogenetic location: 7p22.1.
Variant type: single nucleotide variant.
Coding change: c.537G>A on transcript NM_000535.7 (MANE Select); coding-DNA position 537, G replaced by A.
Protein change: p.Lys179=; no amino-acid change (lysine 179 retained).
Molecular consequence: synonymous variant. On other transcripts: 5 prime UTR variant (2), non-coding transcript variant (1).
Genome position (GRCh38, 1-based): chr7:6,002,453, C>T on the plus strand (G>A on the coding strand, the complement: PMS2 is on the minus strand). VCF-style: chr7-6002453-C-T. GRCh37 (hg19) VCF-style: chr7-6042084-C-T.
Other names: c.132G>A, p.Lys44= (NM_001322003.2, NM_001322004.2, NM_001322005.2 and 3 more transcripts); c.537G>A, p.Lys179= (NM_001322006.2, NM_001322014.2); c.219G>A, p.Lys73= (NM_001322007.2, NM_001322008.2); c.-348G>A (NM_001322011.2, NM_001322012.2); c.228G>A, p.Lys76= (NM_001322015.2).
Identifiers: ClinVar variation 219408 (VCV000219408.10), dbSNP rs864622074, ClinGen allele CA348671.